The following is an entry in ClinVar:

NM_000440.3(PDE6A):c.933+4C>T

Gene: PDE6A (phosphodiesterase 6A; minus strand). Cytogenetic location: 5q32.
Variant type: single nucleotide variant.
Coding change: c.933+4C>T on transcript NM_000440.3 (MANE Select); 4 bases into the intron after coding-DNA position 933, C replaced by T.
Molecular consequence: intron variant.
Genome position (GRCh38, 1-based): chr5:149,921,631, G>A on the plus strand (C>T on the coding strand, the complement: PDE6A is on the minus strand). VCF-style: chr5-149921631-G-A. GRCh37 (hg19) VCF-style: chr5-149301194-G-A.
Identifiers: ClinVar variation 593844 (VCV000593844.18), dbSNP rs12109444, ClinGen allele CA3504890.
Genomic context (GRCh38, chr5:149,921,631, plus strand): 5'-AGGGTTTACTGTGCCTTGCATTTGAATATATTAAATCATACTGAAAAGGTCAGAGAGAAC[G>A]TACTCTTCCATCCGGAGTCCTGGGACCAGAGTAAGGTGGAACTTCACCCATCAGAACCGG-3'

ClinVar aggregate classification (germline): Conflicting classifications of pathogenicity. Review status: criteria provided, conflicting classifications (1 of 4 stars). 4 submissions from 4 submitters: Uncertain significance (1); Benign (2); Likely benign (1). Last evaluated 2026-02-10.

Conditions:
Retinitis pigmentosa (RP). Identifiers: Orphanet 791, MedGen C0035334, MeSH D012174, MONDO:0019200, OMIM 268000. Inheritance: Autosomal dominant, autosomal recessive and X linked inheritance.
PDE6A-related disorder. Also called: PDE6A-related condition.

Allele frequency attached by ClinVar (database versions not stated): gnomAD exomes 0.00125; ExAC 0.00130; 1000 Genomes Project 0.00319; 1000 Genomes Project 30x 0.00344; gnomAD 0.00363 and 0.00393; ESP Exome Variant Server 0.00408; TOPMed 0.00409.
gnomAD v4.1: 1,341 of 1,607,890 alleles (0.083%); highest among the groups gnomAD compares: African/African-American, 1.1%; 12 homozygotes.

Submissions (4):

PreventionGenetics, part of Exact Sciences
Classification: Likely benign for PDE6A-related condition. Last evaluated: 2026-02-10. Review status: criteria provided, single submitter. Criteria: ACMG Guidelines, 2015. Collection method: clinical testing. Allele origin: germline.
Comment: This variant is classified as likely benign based on ACMG/AMP sequence variant interpretation guidelines (Richards et al. 2015 PMID: 25741868, with internal and published modifications).

Labcorp Genetics (formerly Invitae), Labcorp
Classification: Benign. Last evaluated: 2026-01-26. Review status: criteria provided, single submitter. Criteria: Invitae Variant Classification Sherloc (09022015). Collection method: clinical testing. Allele origin: germline.

Eurofins Ntd Llc (ga)
Classification: Benign. Last evaluated: 2017-09-18. Review status: criteria provided, single submitter. Criteria: EGL Classification Definitions 2015. Collection method: clinical testing. Allele origin: germline. Observed: 2 variant alleles, 2 heterozygotes.

Illumina Laboratory Services, Illumina
Classification: Uncertain significance for Retinitis pigmentosa. Last evaluated: 2017-04-27. Review status: criteria provided, single submitter. Criteria: ICSL Variant Classification Criteria 13 December 2019. Collection method: clinical testing. Allele origin: germline.